The following is an entry in ClinVar:

ClinVar aggregate classification (germline): Uncertain significance (1 of 4 stars; one submission).

Allele frequency attached by ClinVar (database versions not stated): gnomAD 0.00001; gnomAD exomes 0.00001; TOPMed 0.00001; ExAC 0.00002; 1000 Genomes Project 30x 0.00016; 1000 Genomes Project 0.00020.
gnomAD v4.1: 13 of 1,613,170 alleles (0.00081%); highest among the groups gnomAD compares: African/African-American, 0.0027%; no homozygotes.

Submission:

CeGaT Center for Human Genetics Tuebingen
Classification: Uncertain significance. Last evaluated: 2022-03-01. Review status: criteria provided, single submitter. Criteria: CeGaT Center For Human Genetics Tuebingen Variant Classification Criteria Version 2. Collection method: clinical testing. Allele origin: germline. Affected: yes. Observed: 1 variant allele.
Comment: KIF1C: PP3

NM_006612.6(KIF1C):c.790C>T (p.Arg264Cys)

Genes: KIF1C (kinesin family member 1C; plus strand), LOC126862472 (CDK7 strongly-dependent group 2 enhancer GRCh37_chr17:4906716-4907915; plus strand). Cytogenetic location: 17p13.2.
Variant type: single nucleotide variant.
Coding change: c.790C>T on transcript NM_006612.6 (MANE Select); coding-DNA position 790, C replaced by T.
Protein change: p.Arg264Cys; replaces arginine 264 with cysteine.
Molecular consequence: missense variant.
Genome position (GRCh38, 1-based): chr17:5,003,681, C>T. VCF-style: chr17-5003681-C-T. GRCh37 (hg19) VCF-style: chr17-4906976-C-T.
Other names: short protein forms R264C.
Identifiers: ClinVar variation 1675653 (VCV001675653.33), dbSNP rs557126775, ClinGen allele CA8318727.